The following is an entry in ClinVar:

NM_001330311.2(DVL1):c.1221G>A (p.Ala407=)

Gene: DVL1 (dishevelled segment polarity protein 1; minus strand). Cytogenetic location: 1p36.33.
Variant type: single nucleotide variant.
Coding change: c.1221G>A on transcript NM_001330311.2 (MANE Select); coding-DNA position 1221, G replaced by A.
Protein change: p.Ala407=; no amino-acid change (alanine 407 retained).
Molecular consequence: synonymous variant.
Genome position (GRCh38, 1-based): chr1:1,338,640, C>T on the plus strand (G>A on the coding strand, the complement: DVL1 is on the minus strand). VCF-style: chr1-1338640-C-T. GRCh37 (hg19) VCF-style: chr1-1274020-C-T.
Other names: c.1146G>A, p.Ala382= (NM_004421.3).
Identifiers: ClinVar variation 722998 (VCV000722998.34), dbSNP rs144133102, ClinGen allele CA520178.

ClinVar aggregate classification (germline): Benign/Likely benign. Review status: criteria provided, multiple submitters, no conflicts (2 of 4 stars). 3 submissions from 3 submitters: Benign (1); Likely benign (2). Last evaluated 2026-01-09.

Allele frequency attached by ClinVar (database versions not stated): 1000 Genomes Project 0.00020; 1000 Genomes Project 30x 0.00031; ExAC 0.00095; gnomAD exomes 0.00104 and 0.00195; gnomAD 0.00114 and 0.00139; TOPMed 0.00142; ESP Exome Variant Server 0.00162.
gnomAD v4.1: 2,998 of 1,610,364 alleles (0.19%); highest among the groups gnomAD compares: Non-Finnish European, 0.23%; 5 homozygotes.

Submissions (3):

Labcorp Genetics (formerly Invitae), Labcorp
Classification: Benign. Last evaluated: 2026-01-09. Review status: criteria provided, single submitter. Criteria: Invitae Variant Classification Sherloc (09022015). Collection method: clinical testing. Allele origin: germline.

CeGaT Center for Human Genetics Tuebingen
Classification: Likely benign. Last evaluated: 2025-02-01. Review status: criteria provided, single submitter. Criteria: CeGaT Center For Human Genetics Tuebingen Variant Classification Criteria Version 2. Collection method: clinical testing. Allele origin: germline. Affected: yes. Observed: 2 variant alleles.
Comment: DVL1: BP4, BP7

Blueprint Genetics
Classification: Likely benign. Last evaluated: 2024-11-14. Review status: criteria provided, single submitter. Criteria: ACMG Guidelines, 2015. Collection method: clinical testing. Allele origin: germline.